The following is an entry in ClinVar:

NM_018896.5(CACNA1G):c.626C>T (p.Pro209Leu)

Gene: CACNA1G (calcium voltage-gated channel subunit alpha1 G; plus strand). Cytogenetic location: 17q21.33.
Variant type: single nucleotide variant.
Coding change: c.626C>T on transcript NM_018896.5 (MANE Select); coding-DNA position 626, C replaced by T.
Protein change: p.Pro209Leu; replaces proline 209 with leucine.
Molecular consequence: missense variant. On other transcripts: non-coding transcript variant (5).
Genome position (GRCh38, 1-based): chr17:50,571,917, C>T. VCF-style: chr17-50571917-C-T. GRCh37 (hg19) VCF-style: chr17-48649278-C-T.
Other names: c.626C>T, p.Pro209Leu (NM_198376.3, NM_198377.3, NM_198378.3 and 24 more transcripts); short protein forms P209L.
Identifiers: ClinVar variation 3234634 (VCV003234634.20), dbSNP rs2544776076, ClinGen allele CA400230703.

ClinVar aggregate classification (germline): Likely pathogenic (1 of 4 stars; one submission).

Submission:

CeGaT Center for Human Genetics Tuebingen
Classification: Likely pathogenic. Last evaluated: 2024-04-01. Review status: criteria provided, single submitter. Criteria: CeGaT Center For Human Genetics Tuebingen Variant Classification Criteria Version 2. Collection method: clinical testing. Allele origin: germline. Affected: yes. Observed: 1 variant allele.
Comment: CACNA1G: PM1, PM2, PP2, PP3